The following is an entry in ClinVar:

NM_001042492.3(NF1):c.3222A>G (p.Glu1074=)

Gene: NF1 (neurofibromin 1; plus strand). Cytogenetic location: 17q11.2.
Variant type: single nucleotide variant.
Coding change: c.3222A>G on transcript NM_001042492.3 (MANE Select); coding-DNA position 3222, A replaced by G.
Protein change: p.Glu1074=; no amino-acid change (glutamic acid 1074 retained).
Molecular consequence: synonymous variant.
Genome position (GRCh38, 1-based): chr17:31,232,097, A>G. VCF-style: chr17-31232097-A-G. GRCh37 (hg19) VCF-style: chr17-29559115-A-G.
Other names: c.3222A>G, p.Glu1074= (NM_000267.4).
Identifiers: ClinVar variation 1147369 (VCV001147369.8), dbSNP rs2151433705, ClinGen allele CA499232218.
Genomic context (GRCh38, chr17:31,232,097, plus strand): 5'-CTCTAAATTTTTTTTTTTTTTTTTTTTTTTTTTCAGAGATTTGGACCAGGCAAGCATGGA[A>G]GCAGTAGTTTCACTTCTAGCTGGTCTCCCTCTGCAGCCTGAAGAAGGAGATGGTGTGGAA-3'
Protein context (NP_001035957.1, residues 1064-1084): LTRDLDQASM[Glu1074=]AVVSLLAGLP

ClinVar aggregate classification (germline): Benign/Likely benign. Review status: criteria provided, multiple submitters, no conflicts (2 of 4 stars). 2 submissions from 2 submitters: Benign (1); Likely benign (1). Last evaluated 2026-05-20.

Conditions:
Neurofibromatosis, type 1 (NF1). Also called: Peripheral type neurofibromatosis; NEUROFIBROMATOSIS, TYPE I, SOMATIC; VON RECKLINGHAUSEN DISEASE; Neurofibromatosis, type I. Identifiers: Orphanet 636, MedGen C0027831, MONDO:0018975, OMIM 162200. Disease mechanism: loss of function.

Submissions (2):

Myriad Genetics, Inc.
Classification: Benign for Neurofibromatosis, type 1. Last evaluated: 2026-05-20. Review status: criteria provided, single submitter. Criteria: Myriad Autosomal Dominant, Autosomal Recessive and X-Linked Classification Criteria (2023). Collection method: clinical testing. Allele origin: unknown.
Comment: This variant is considered benign. This variant is a silent/synonymous amino acid change and it is not expected to impact splicing.

Labcorp Genetics (formerly Invitae), Labcorp
Classification: Likely benign for Neurofibromatosis, type 1. Last evaluated: 2025-11-10. Review status: criteria provided, single submitter. Criteria: Invitae Variant Classification Sherloc (09022015). Collection method: clinical testing. Allele origin: germline.